The following is an entry in ClinVar:

NM_001386140.1(MTTP):c.*183C>T

Gene: MTTP (microsomal triglyceride transfer protein; plus strand). Cytogenetic location: 4q23.
Variant type: single nucleotide variant.
Coding change: c.*183C>T on transcript NM_001386140.1 (MANE Select); 183 bases downstream of the stop codon, C replaced by T.
Molecular consequence: 3 prime UTR variant.
Genome position (GRCh38, 1-based): chr4:99,623,031, C>T. VCF-style: chr4-99623031-C-T. GRCh37 (hg19) VCF-style: chr4-100544188-C-T.
Other names: c.*183C>T (NM_000253.4, NM_001300785.2).
Identifiers: ClinVar variation 347051 (VCV000347051.9), dbSNP rs74542928, ClinGen allele CA10619721.

ClinVar aggregate classification (germline): Benign. Review status: criteria provided, multiple submitters, no conflicts (2 of 4 stars). 3 submissions from 3 submitters: Benign (3). Last evaluated 2018-09-22.

Conditions:
Abetalipoproteinaemia (ABL). Also called: MTP DEFICIENCY; Abetalipoproteinemia; Abetalipoproteinemia neuropathy; Apolipoprotein B deficiency; Congenital betalipoprotein deficiency syndrome. Identifiers: Orphanet 14, MedGen C0000744, MONDO:0008692, OMIM 200100, HP:0008181.

Allele frequency attached by ClinVar (database versions not stated): 1000 Genomes Project 0.05072; 1000 Genomes Project 30x 0.05075; gnomAD exomes 0.07795; gnomAD 0.07993 and 0.08278; TOPMed 0.08205.
gnomAD v4.1: 50,906 of 644,910 alleles (7.9%); highest among the groups gnomAD compares: Non-Finnish European, 9.2%; 2,319 homozygotes.

Submissions (3):

GeneDx
Classification: Benign. Last evaluated: 2018-09-22. Review status: criteria provided, single submitter. Criteria: GeneDx Variant Classification Process June 2021. Collection method: clinical testing. Allele origin: germline. Affected: yes.

Illumina Laboratory Services, Illumina
Classification: Benign for Abetalipoproteinaemia. Last evaluated: 2018-01-12. Review status: criteria provided, single submitter. Criteria: ICSL Variant Classification Criteria 13 December 2019. Collection method: clinical testing. Allele origin: germline.
Comment: This variant was observed in the ICSL laboratory as part of a predisposition screen in an ostensibly healthy population. It had not been previously curated by ICSL or reported in the Human Gene Mutation Database (HGMD: prior to June 1st, 2018), and was therefore a candidate for classification through an automated scoring system. Utilizing variant allele frequency, disease prevalence and penetrance estimates, and inheritance mode, an automated score was calculated to assess if this variant is too frequent to cause the disease. Based on the score and internal cut-off values, a variant classified as benign is not then subjected to further curation. The score for this variant resulted in a classification of benign for this disease.

Breakthrough Genomics
Classification: Benign. Review status: criteria provided, single submitter. Criteria: ACMG Guidelines, 2015. Collection method: not provided. Allele origin: germline. Inheritance: Autosomal recessive inheritance. Affected: yes.